The following is an entry in ClinVar:

ClinVar aggregate classification (germline): Uncertain significance. Review status: criteria provided, multiple submitters, no conflicts (2 of 4 stars). 3 submissions from 3 submitters: Uncertain significance (3). Last evaluated 2025-09-16.

Conditions:
Hypertrophic cardiomyopathy. Also called: HYPERTROPHIC MYOCARDIOPATHY. Identifiers: Orphanet 217569, MedGen C0007194, MeSH D002312, MONDO:0005045, HP:0001639.

Allele frequency attached by ClinVar (database versions not stated): gnomAD exomes 0.00001; gnomAD 0.00002; TOPMed 0.00002.
gnomAD v4.1: 22 of 1,613,692 alleles (0.0014%); highest among the groups gnomAD compares: Middle Eastern, 0.016%; no homozygotes.

Submissions (3):

Labcorp Genetics (formerly Invitae), Labcorp
Classification: Uncertain significance for Hypertrophic cardiomyopathy. Last evaluated: 2025-09-16. Review status: criteria provided, single submitter. Criteria: Invitae Variant Classification Sherloc (09022015). Collection method: clinical testing. Allele origin: germline.
Comment: This sequence change replaces threonine, which is neutral and polar, with asparagine, which is neutral and polar, at codon 25 of the MYOM1 protein (p.Thr25Asn). This variant is present in population databases (no rsID available, gnomAD 0.004%). This variant has not been reported in the literature in individuals affected with MYOM1-related conditions. ClinVar contains an entry for this variant (Variation ID: 641272). An algorithm developed to predict the effect of missense changes on protein structure and function (PolyPhen-2) suggests that this variant is likely to be tolerated. In summary, the available evidence is currently insufficient to determine the role of this variant in disease. Therefore, it has been classified as a Variant of Uncertain Significance.

Ambry Genetics
Classification: Uncertain significance. Last evaluated: 2025-08-31. Review status: criteria provided, single submitter. Criteria: Ambry Variant Classification Scheme 2023. Collection method: clinical testing. Allele origin: germline.
Comment: The p.T25N variant (also known as c.74C>A), located in coding exon 1 of the MYOM1 gene, results from a C to A substitution at nucleotide position 74. The threonine at codon 25 is replaced by asparagine, an amino acid with similar properties. This amino acid position is conserved. In addition, this alteration is predicted to be tolerated by in silico analysis. Since supporting evidence is limited at this time, the clinical significance of this alteration remains unclear.

Breakthrough Genomics
Classification: Uncertain significance. Review status: criteria provided, single submitter. Criteria: ACMG Guidelines, 2015. Collection method: not provided. Allele origin: germline. Inheritance: Unknown mechanism. Affected: yes.

NM_003803.4(MYOM1):c.74C>A (p.Thr25Asn)

Gene: MYOM1 (myomesin 1; minus strand). Cytogenetic location: 18p11.31.
Variant type: single nucleotide variant.
Coding change: c.74C>A on transcript NM_003803.4 (MANE Select); coding-DNA position 74, C replaced by A.
Protein change: p.Thr25Asn; replaces threonine 25 with asparagine.
Molecular consequence: missense variant.
Genome position (GRCh38, 1-based): chr18:3,215,150, G>T on the plus strand (C>A on the coding strand, the complement: MYOM1 is on the minus strand). VCF-style: chr18-3215150-G-T. GRCh37 (hg19) VCF-style: chr18-3215148-G-T.
Other names: c.74C>A, p.Thr25Asn (NM_019856.2); short protein forms T25N.
Identifiers: ClinVar variation 641272 (VCV000641272.10), dbSNP rs1018439343, ClinGen allele CA295537619.